The following is an entry in ClinVar:

NM_001194998.2(CEP152):c.3677A>T (p.Asn1226Ile)

Gene: CEP152 (centrosomal protein 152; minus strand). Cytogenetic location: 15q21.1.
Variant type: single nucleotide variant.
Coding change: c.3677A>T on transcript NM_001194998.2 (MANE Select); coding-DNA position 3677, A replaced by T.
Protein change: p.Asn1226Ile; replaces asparagine 1226 with isoleucine.
Molecular consequence: missense variant.
Genome position (GRCh38, 1-based): chr15:48,744,950, T>A on the plus strand (A>T on the coding strand, the complement: CEP152 is on the minus strand). VCF-style: chr15-48744950-T-A. GRCh37 (hg19) VCF-style: chr15-49037147-T-A.
Other names: c.3509A>T, p.Asn1170Ile (NM_014985.4); short protein forms N1170I, N1226I.
Identifiers: ClinVar variation 4743746 (VCV004743746.1).

ClinVar aggregate classification (germline): Uncertain significance (1 of 4 stars; one submission).

Submission:

Labcorp Genetics (formerly Invitae), Labcorp
Classification: Uncertain significance. Last evaluated: 2025-10-14. Review status: criteria provided, single submitter. Criteria: Invitae Variant Classification Sherloc (09022015). Collection method: clinical testing. Allele origin: germline.
Comment: This sequence change replaces asparagine, which is neutral and polar, with isoleucine, which is neutral and non-polar, at codon 1170 of the CEP152 protein (p.Asn1170Ile). This variant is not present in population databases (gnomAD no frequency). This variant has not been reported in the literature in individuals affected with CEP152-related conditions. Invitae Evidence Modeling of protein sequence and biophysical properties (such as structural, functional, and spatial information, amino acid conservation, physicochemical variation, residue mobility, and thermodynamic stability) indicates that this missense variant is not expected to disrupt CEP152 protein function with a negative predictive value of 80%. In summary, the available evidence is currently insufficient to determine the role of this variant in disease. Therefore, it has been classified as a Variant of Uncertain Significance.